The following is an entry in ClinVar:

NM_015338.6(ASXL1):c.4594A>G (p.Lys1532Glu)

Gene: ASXL1 (ASXL transcriptional regulator 1; plus strand). Cytogenetic location: 20q11.21.
Variant type: single nucleotide variant.
Coding change: c.4594A>G on transcript NM_015338.6 (MANE Select); coding-DNA position 4594, A replaced by G.
Protein change: p.Lys1532Glu; replaces lysine 1532 with glutamic acid.
Molecular consequence: missense variant.
Genome position (GRCh38, 1-based): chr20:32,437,306, A>G. VCF-style: chr20-32437306-A-G. GRCh37 (hg19) VCF-style: chr20-31025109-A-G.
Other names: c.4411A>G, p.Lys1471Glu (NM_001363734.1); short protein forms K1471E, K1532E.
Identifiers: ClinVar variation 5030434 (VCV005030434.1).
Genomic context (GRCh38, chr20:32,437,306, plus strand): 5'-GCCATGATCATGTGCCAAGGCTGCGGTGCGTTCTGTCACGATGACTGTATTGGACCCTCA[A>G]AGCTCTGTGTATTGTGCCTTGTGGTGAGATAATAAATTATGGCCATGGGAAACATTGTAT-3'
Protein context (NP_056153.2, residues 1522-1541): FCHDDCIGPS[Lys1532Glu]LCVLCLVVR

ClinVar aggregate classification (germline): Uncertain significance (1 of 4 stars; one submission).

Conditions:
Inborn genetic diseases. Identifiers: MedGen C0950123, MeSH D030342.

Submission:

Ambry Genetics
Classification: Uncertain significance for Inborn genetic diseases. Last evaluated: 2026-08-29. Review status: criteria provided, single submitter. Criteria: Ambry Variant Classification Scheme 2023. Collection method: clinical testing. Allele origin: germline.
Comment: The p.K1532E variant (also known as c.4594A>G), located in coding exon 13 of the ASXL1 gene, results from an A to G substitution at nucleotide position 4594. The lysine at codon 1532 is replaced by glutamic acid, an amino acid with similar properties. This amino acid position is conserved. In addition, the in silico prediction for this alteration is inconclusive. Based on the available evidence, the clinical significance of this variant remains unclear.